The following is an entry in ClinVar:

ClinVar aggregate classification (germline): Uncertain significance (1 of 4 stars; one submission).

Submission:

GeneDx
Classification: Uncertain significance. Last evaluated: 2024-02-08. Review status: criteria provided, single submitter. Criteria: GeneDx Variant Classification Process June 2021. Collection method: clinical testing. Allele origin: germline. Affected: yes.
Comment: Not observed at significant frequency in large population cohorts (gnomAD); In silico analysis supports that this missense variant has a deleterious effect on protein structure/function; Has not been previously published as pathogenic or benign to our knowledge; This variant is associated with the following publications: (PMID: 26100331, 25512093, 25609763)

NM_001376.5(DYNC1H1):c.2005C>T (p.Leu669Phe)

Gene: DYNC1H1 (dynein cytoplasmic 1 heavy chain 1; plus strand). Cytogenetic location: 14q32.31.
Variant type: single nucleotide variant.
Coding change: c.2005C>T on transcript NM_001376.5 (MANE Select); coding-DNA position 2005, C replaced by T.
Protein change: p.Leu669Phe; replaces leucine 669 with phenylalanine.
Molecular consequence: missense variant.
Genome position (GRCh38, 1-based): chr14:101,986,230, C>T. VCF-style: chr14-101986230-C-T. GRCh37 (hg19) VCF-style: chr14-102452567-C-T.
Other names: short protein forms L669F.
Identifiers: ClinVar variation 3368876 (VCV003368876.1).
Genomic context (GRCh38, chr14:101,986,230, plus strand): 5'-ATCTGGGCTAAACAGATCGACAGGCAGCTGACGGCCTACATGAAGCGGGTGGAAGATGTC[C>T]TTGGCAAGGGCTGGGAGAATCACGTGGAGGGGCAGAAGCTGAAGCAGGATGGAGACAGCT-3'
Protein context (NP_001367.2, residues 659-679): TAYMKRVEDV[Leu669Phe]GKGWENHVEG